The following is an entry in ClinVar:

ClinVar aggregate classification (germline): Uncertain significance (1 of 4 stars; one submission).

Conditions:
Ataxia-telangiectasia syndrome (AT). Also called: LOUIS-BAR SYNDROME; Ataxia telangiectasia (A-T); Cerebello-oculocutaneous telangiectasia; Immunodeficiency with ataxia telangiectasia; ATAXIA-TELANGIECTASIA, COMPLEMENTATION GROUP A; ATAXIA-TELANGIECTASIA, FRESNO VARIANT. Identifiers: Orphanet 100, MedGen C0004135, MONDO:0008840, OMIM 208900.

Submission:

Labcorp Genetics (formerly Invitae), Labcorp
Classification: Uncertain significance for Ataxia-telangiectasia syndrome. Last evaluated: 2022-01-28. Review status: criteria provided, single submitter. Criteria: Invitae Variant Classification Sherloc (09022015). Collection method: clinical testing. Allele origin: germline.
Comment: In summary, the available evidence is currently insufficient to determine the role of this variant in disease. Therefore, it has been classified as a Variant of Uncertain Significance. Advanced modeling of protein sequence and biophysical properties (such as structural, functional, and spatial information, amino acid conservation, physicochemical variation, residue mobility, and thermodynamic stability) performed at Invitae indicates that this missense variant is not expected to disrupt ATM protein function. ClinVar contains an entry for this variant (Variation ID: 953512). This variant has not been reported in the literature in individuals affected with ATM-related conditions. This variant is not present in population databases (gnomAD no frequency). This sequence change replaces valine, which is neutral and non-polar, with leucine, which is neutral and non-polar, at codon 555 of the ATM protein (p.Val555Leu).

NM_000051.4(ATM):c.1663G>T (p.Val555Leu)

Gene: ATM (ATM serine/threonine kinase; plus strand). Cytogenetic location: 11q22.3.
Variant type: single nucleotide variant.
Coding change: c.1663G>T on transcript NM_000051.4 (MANE Select); coding-DNA position 1663, G replaced by T.
Protein change: p.Val555Leu; replaces valine 555 with leucine.
Molecular consequence: missense variant.
Genome position (GRCh38, 1-based): chr11:108,251,892, G>T. VCF-style: chr11-108251892-G-T. GRCh37 (hg19) VCF-style: chr11-108122619-G-T.
Other names: c.1663G>T, p.Val555Leu (NM_001351834.2); short protein forms V555L.
Identifiers: ClinVar variation 953512 (VCV000953512.9), dbSNP rs2080168708, ClinGen allele CA382535085.
Genomic context (GRCh38, chr11:108,251,892, plus strand): 5'-TATAGTCCTGCAGTATGCTGTTTGACTTTGGCACTGACCACCAGTATAGTTCCAGGAACG[G>T]TAAAAATGGGAATAGAGCAAAATATGTGTGAAGTAAATAGAAGCTTTTCTTTAAAGGAAT-3'
Protein context (NP_000042.3, residues 545-565): ALTTSIVPGT[Val555Leu]KMGIEQNMCE